The following is an entry in ClinVar:

NM_001943.5(DSG2):c.1042C>G (p.Leu348Val)

Gene: DSG2 (desmoglein 2; plus strand). Cytogenetic location: 18q12.1.
Variant type: single nucleotide variant.
Coding change: c.1042C>G on transcript NM_001943.5 (MANE Select); coding-DNA position 1042, C replaced by G.
Protein change: p.Leu348Val; replaces leucine 348 with valine.
Molecular consequence: missense variant.
Genome position (GRCh38, 1-based): chr18:31,531,014, C>G. VCF-style: chr18-31531014-C-G. GRCh37 (hg19) VCF-style: chr18-29110977-C-G.
Other names: short protein forms L348V.
Identifiers: ClinVar variation 3221933 (VCV003221933.1), dbSNP rs1173281259, ClinGen allele CA402138071.
Genomic context (GRCh38, chr18:31,531,014, plus strand): 5'-TTGAAAAGAATTCCCTTTGGTTTTCCCTTTCAGGAAGTAGATTATGAAGAAATGAAGAAT[C>G]TTGACTTCAGTGTTATTGTCGCTAATAAAGCAGCTTTTCACAAGTCGATTAGGAGTAAAT-3'
Protein context (NP_001934.2, residues 338-358): KEVDYEEMKN[Leu348Val]DFSVIVANKA

ClinVar aggregate classification (germline): Uncertain significance (1 of 4 stars; one submission).

Conditions:
Cardiovascular phenotype. Identifiers: MedGen CN230736.

Allele frequency attached by ClinVar (database versions not stated): gnomAD exomes below 0.00001; TOPMed 0.00001.
gnomAD v4.1: 1 of 1,614,022 alleles (0.000062%); highest among the groups gnomAD compares: East Asian, 0.0022%; no homozygotes.

Submission:

Ambry Genetics
Classification: Uncertain significance for Cardiovascular phenotype. Last evaluated: 2023-11-23. Review status: criteria provided, single submitter. Criteria: Ambry Variant Classification Scheme 2023. Collection method: clinical testing. Allele origin: germline.
Comment: The p.L348V variant (also known as c.1042C>G), located in coding exon 9 of the DSG2 gene, results from a C to G substitution at nucleotide position 1042. The leucine at codon 348 is replaced by valine, an amino acid with highly similar properties. This amino acid position is conserved. In addition, this alteration is predicted to be tolerated by in silico analysis. Since supporting evidence is limited at this time, the clinical significance of this alteration remains unclear.